The following is an entry in ClinVar:

ClinVar aggregate classification (germline): Uncertain significance (1 of 4 stars; one submission).

Submission:

CeGaT Center for Human Genetics Tuebingen
Classification: Uncertain significance. Last evaluated: 2026-01-01. Review status: criteria provided, single submitter. Criteria: CeGaT Center For Human Genetics Tuebingen Variant Classification Criteria Version 2. Collection method: clinical testing. Allele origin: germline. Affected: yes. Observed: 1 variant allele.
Comment: KDM3B: PM2, BP4

NM_016604.4(KDM3B):c.3847G>C (p.Ala1283Pro)

Gene: KDM3B (lysine demethylase 3B; plus strand). Cytogenetic location: 5q31.2.
Variant type: single nucleotide variant.
Coding change: c.3847G>C on transcript NM_016604.4 (MANE Select); coding-DNA position 3847, G replaced by C.
Protein change: p.Ala1283Pro; replaces alanine 1283 with proline.
Molecular consequence: missense variant.
Genome position (GRCh38, 1-based): chr5:138,420,837, G>C. VCF-style: chr5-138420837-G-C. GRCh37 (hg19) VCF-style: chr5-137756526-G-C.
Other names: short protein forms A1283P.
Identifiers: ClinVar variation 4822465 (VCV004822465.4).
Genomic context (GRCh38, chr5:138,420,837, plus strand): 5'-ACTGCAAAGGTCTCTCCGCTGACTCCAAAGCTTTTTAACAGTCTGTTGCTGGGTCCCACT[G>C]CCTCCAACAACAAAACCGAAGGGTCTAGCCTTCGAGACCTCCTTCACTCCGGGCCGGGAA-3'
Protein context (NP_057688.3, residues 1273-1293): LFNSLLLGPT[Ala1283Pro]SNNKTEGSSL